The following is an entry in ClinVar:

ClinVar aggregate classification (germline): Pathogenic (1 of 4 stars; one submission).

Conditions:
Congenital hyperammonemia, type I. Also called: Carbamoyl phosphate synthetase I deficiency disease; CPS I DEFICIENCY; Carbamoyl phosphate synthetase 1 deficiency; Hyperammonemia due to carbamoyl phosphate synthetase 1 deficiency; CPS 1 deficiency; Carbamyl phosphate synthetase (CPS) deficiency. Identifiers: Orphanet 147, MedGen C4082171, MONDO:0009376, OMIM 237300.

Allele frequency attached by ClinVar (database versions not stated): gnomAD exomes below 0.00001.

Submission:

Labcorp Genetics (formerly Invitae), Labcorp
Classification: Pathogenic for Congenital hyperammonemia, type I. Last evaluated: 2023-06-16. Review status: criteria provided, single submitter. Criteria: Invitae Variant Classification Sherloc (09022015). Collection method: clinical testing. Allele origin: germline.
Comment: For these reasons, this variant has been classified as Pathogenic. This variant has not been reported in the literature in individuals affected with CPS1-related conditions. This variant is present in population databases (no rsID available, gnomAD 0.003%). This sequence change creates a premature translational stop signal (p.Gln916Argfs*16) in the CPS1 gene. It is expected to result in an absent or disrupted protein product. Loss-of-function variants in CPS1 are known to be pathogenic (PMID: 21120950).

Literature cited by the submitters: PubMed 21120950.

NM_001875.5(CPS1):c.2747del (p.Gln916fs)

Gene: CPS1 (carbamoyl-phosphate synthase 1; plus strand). Cytogenetic location: 2q34.
Variant type: Deletion.
Coding change: c.2747del on transcript NM_001875.5 (MANE Select); coding-DNA position 2747, one base deleted (A; older notation c.2747delA).
Protein change: p.Gln916fs; shifts the reading frame from glutamine 916.
Molecular consequence: frameshift variant. On other transcripts: non-coding transcript variant (2).
Genome position (GRCh38, 1-based): chr2:210,637,761, A deleted. VCF-style (leftmost placement, unchanged base first): chr2-210637760-CA-C. GRCh37 (hg19) VCF-style: chr2-211502484-CA-C.
Other names: c.2747del, p.Gln916fs (NM_001122633.3, NM_001369257.1); c.2780del, p.Gln927fs (NM_001369256.1); short protein forms Q927fs, Q916fs.
Identifiers: ClinVar variation 2717863 (VCV002717863.3), dbSNP rs1277965530, ClinGen allele CA539123305.
Genomic context (GRCh38, chr2:210,637,760, plus strand): 5'-AGTGAGTCCATGACAGAAGAAACCCTGAAAAGGGCAAAGGAGATTGGGTTCTCAGATAAG[CA>C]GATTTCAAAATGCCTTGGGCTCACTGAGGCCCAGACAAGGGAGCTGAGGTTAAAGAAAAA-3'